The following is an entry in ClinVar:

NM_003579.4(RAD54L):c.779A>G (p.Asn260Ser)

Gene: RAD54L (RAD54 like; plus strand). Cytogenetic location: 1p34.1.
Variant type: single nucleotide variant.
Coding change: c.779A>G on transcript NM_003579.4 (MANE Select); coding-DNA position 779, A replaced by G.
Protein change: p.Asn260Ser; replaces asparagine 260 with serine.
Molecular consequence: missense variant.
Genome position (GRCh38, 1-based): chr1:46,261,273, A>G. VCF-style: chr1-46261273-A-G. GRCh37 (hg19) VCF-style: chr1-46726945-A-G.
Other names: c.779A>G, p.Asn260Ser (NM_001142548.2); c.239A>G, p.Asn80Ser (NM_001370766.1); short protein forms N80S, N260S.
Identifiers: ClinVar variation 1760661 (VCV001760661.3), dbSNP rs1381728420, ClinGen allele CA340188515.

ClinVar aggregate classification (germline): Uncertain significance (1 of 4 stars; one submission).

Allele frequency attached by ClinVar (database versions not stated): gnomAD 0.00001.
gnomAD v4.1: 2 of 1,613,338 alleles (0.00012%); highest among the groups gnomAD compares: African/African-American, 0.0013%; no homozygotes.

Submission:

Ambry Genetics
Classification: Uncertain significance. Last evaluated: 2022-10-31. Review status: criteria provided, single submitter. Criteria: Ambry Variant Classification Scheme 2023. Collection method: clinical testing. Allele origin: germline.
Comment: The p.N260S variant (also known as c.779A>G), located in coding exon 8 of the RAD54L gene, results from an A to G substitution at nucleotide position 779. The asparagine at codon 260 is replaced by serine, an amino acid with highly similar properties. This amino acid position is conserved. In addition, this alteration is predicted to be tolerated by in silico analysis. Since supporting evidence is limited at this time, the clinical significance of this alteration remains unclear.